The following is an entry in ClinVar:

ClinVar aggregate classification (germline): Pathogenic/Likely pathogenic. Review status: criteria provided, multiple submitters, no conflicts (2 of 4 stars). 2 submissions from 2 submitters: Pathogenic (1); Likely pathogenic (1). Last evaluated 2024-04-26.

Conditions:
TTLL5-related disorder. Also called: TTLL5-related condition.

Submissions (2):

Labcorp Genetics (formerly Invitae), Labcorp
Classification: Pathogenic. Last evaluated: 2024-04-26. Review status: criteria provided, single submitter. Criteria: Invitae Variant Classification Sherloc (09022015). Collection method: clinical testing. Allele origin: germline.
Comment: This sequence change creates a premature translational stop signal (p.Arg188Alafs*25) in the TTLL5 gene. It is expected to result in an absent or disrupted protein product. Loss-of-function variants in TTLL5 are known to be pathogenic (PMID: 24791901, 27162334). This variant is not present in population databases (gnomAD no frequency). This variant has not been reported in the literature in individuals affected with TTLL5-related conditions. For these reasons, this variant has been classified as Pathogenic.

Blueprint Genetics
Classification: Likely pathogenic for TTLL5-related disorders. Last evaluated: 2022-08-18. Review status: criteria provided, single submitter. Criteria: ACMG Guidelines, 2015. Collection method: clinical testing. Allele origin: germline. Affected: yes. Observed: 1 variant allele.

Literature cited by the submitters: PubMed 24791901 (cited by Labcorp Genetics (formerly Invitae), Labcorp); PubMed 27162334 (cited by Labcorp Genetics (formerly Invitae), Labcorp).

NM_015072.5(TTLL5):c.561dup (p.Arg188fs)

Gene: TTLL5 (tubulin tyrosine ligase like 5; plus strand). Cytogenetic location: 14q24.3.
Variant type: Duplication.
Coding change: c.561dup on transcript NM_015072.5 (MANE Select); coding-DNA position 561, one base duplicated (G; older notation c.561dupG).
Protein change: p.Arg188fs; shifts the reading frame from arginine 188.
Molecular consequence: frameshift variant.
Genome position (GRCh38, 1-based): chr14:75,699,246, G duplicated; the last of 5 consecutive G bases (chr14:75,699,242-75,699,246); duplicating any one gives the same sequence. VCF-style (leftmost placement, unchanged base first): chr14-75699241-A-AG. GRCh37 (hg19) VCF-style: chr14-76165584-A-AG.
Other names: short protein forms R188fs.
Identifiers: ClinVar variation 2802084 (VCV002802084.4), dbSNP rs746069709, ClinGen allele CA964831629.